The following is an entry in ClinVar:

ClinVar aggregate classification (germline): Uncertain significance (1 of 4 stars; one submission).

Conditions:
Hereditary cancer-predisposing syndrome. Also called: Neoplastic Syndromes, Hereditary; Hereditary Cancer Syndrome; Tumor predisposition; Hereditary neoplastic syndrome. Identifiers: Orphanet 140162, MedGen C0027672, MeSH D009386, MONDO:0015356.

Submission:

Ambry Genetics
Classification: Uncertain significance for Hereditary cancer-predisposing syndrome. Last evaluated: 2023-03-25. Review status: criteria provided, single submitter. Criteria: Ambry Variant Classification Scheme 2023. Collection method: clinical testing. Allele origin: germline.
Comment: The p.D391E variant (also known as c.1173C>A), located in coding exon 9 of the POLD1 gene, results from a C to A substitution at nucleotide position 1173. The aspartic acid at codon 391 is replaced by glutamic acid, an amino acid with highly similar properties. This amino acid position is conserved. In addition, the in silico prediction for this alteration is inconclusive. Since supporting evidence is limited at this time, the clinical significance of this alteration remains unclear.

NM_002691.4(POLD1):c.1173C>A (p.Asp391Glu)

Gene: POLD1 (DNA polymerase delta 1, catalytic subunit; plus strand). Cytogenetic location: 19q13.33.
Variant type: single nucleotide variant.
Coding change: c.1173C>A on transcript NM_002691.4 (MANE Select); coding-DNA position 1173, C replaced by A.
Protein change: p.Asp391Glu; replaces aspartic acid 391 with glutamic acid.
Molecular consequence: missense variant. On other transcripts: non-coding transcript variant (1).
Genome position (GRCh38, 1-based): chr19:50,403,528, C>A. VCF-style: chr19-50403528-C-A. GRCh37 (hg19) VCF-style: chr19-50906785-C-A.
Other names: c.1173C>A, p.Asp391Glu (NM_001256849.1, NM_001308632.1); short protein forms D391E.
Identifiers: ClinVar variation 2448217 (VCV002448217.3), dbSNP rs2230244, ClinGen allele CA406978500.
Genomic context (GRCh38, chr19:50,403,528, plus strand): 5'-TGACCCAATGTGCTCCCACCCCCAGGCCTGGTCCACCTTCATCCGTATCATGGACCCCGA[C>A]GTGATCACCGGTTACAACATCCAGAACTTCGACCTTCCGTACCTCATCTCTCGGGCCCAG-3'
Protein context (NP_002682.2, residues 381-401): WSTFIRIMDP[Asp391Glu]VITGYNIQNF